The following is an entry in ClinVar:

ClinVar aggregate classification (germline): Pathogenic (1 of 4 stars; one submission).

Conditions:
Nance-Horan syndrome (NHS). Identifiers: Orphanet 627, MedGen C0796085, MONDO:0010545, OMIM 302350.

Submission:

Labcorp Genetics (formerly Invitae), Labcorp
Classification: Pathogenic for Nance-Horan syndrome. Last evaluated: 2021-11-22. Review status: criteria provided, single submitter. Criteria: Invitae Variant Classification Sherloc (09022015). Collection method: clinical testing. Allele origin: germline.
Comment: For these reasons, this variant has been classified as Pathogenic. This variant has not been reported in the literature in individuals affected with NHS-related conditions. This variant is a gross deletion of the genomic region encompassing exon(s) 2-3 of the NHS gene. This deletion is out-of-frame, and is expected to create a premature termination codon and result in an absent or disrupted protein product. Loss-of-function variants in NHS are known to be pathogenic (PMID: 14564667, 19414485).

Literature cited by the submitters: PubMed 14564667; PubMed 19414485.

NC_000023.10:g.(?_17705842)_(17710608_?)del

Gene: NHS (NHS actin remodeling regulator; plus strand). Cytogenetic location: Xp22.13.
Variant type: Deletion.
Identifiers: ClinVar variation 2427646 (VCV002427646.4).